The following is an entry in ClinVar:

ClinVar aggregate classification (germline): Uncertain significance (1 of 4 stars; one submission).

gnomAD v4.1: 2 of 1,614,144 alleles (0.00012%); highest among the groups gnomAD compares: Admixed American, 0.0017%; no homozygotes.

Submission:

Ambry Genetics
Classification: Uncertain significance. Last evaluated: 2024-04-19. Review status: criteria provided, single submitter. Criteria: Ambry Variant Classification Scheme 2023. Collection method: clinical testing. Allele origin: germline.
Comment: The p.F27L variant (also known as c.79T>C), located in coding exon 1 of the PALLD gene, results from a T to C substitution at nucleotide position 79. The phenylalanine at codon 27 is replaced by leucine, an amino acid with highly similar properties. This amino acid position is conserved. In addition, this alteration is predicted to be tolerated by in silico analysis. Based on the available evidence, the clinical significance of this variant remains unclear.

NM_001166108.2(PALLD):c.79T>C (p.Phe27Leu)

Gene: PALLD (palladin, cytoskeletal associated protein; plus strand). Cytogenetic location: 4q32.3.
Variant type: single nucleotide variant.
Coding change: c.79T>C on transcript NM_001166108.2 (MANE Select); coding-DNA position 79, T replaced by C.
Protein change: p.Phe27Leu; replaces phenylalanine 27 with leucine.
Molecular consequence: missense variant.
Genome position (GRCh38, 1-based): chr4:168,511,583, T>C. VCF-style: chr4-168511583-T-C. GRCh37 (hg19) VCF-style: chr4-169432734-T-C.
Other names: c.79T>C, p.Phe27Leu (NM_016081.4); short protein forms F27L.
Identifiers: ClinVar variation 3304066 (VCV003304066.1).
Genomic context (GRCh38, chr4:168,511,583, plus strand): 5'-CATGAGTCCTTCTATGACTCCCTCTCAGACATGCAGGAAGAAAGCAAGAATACTGACTTC[T>C]TCCCGGGCCTTTCTGCTTTCCTCAGCCAGGAAGAGATAAACAAGAGTCTTGACCTGGCCC-3'
Protein context (NP_001159580.1, residues 17-37): MQEESKNTDF[Phe27Leu]PGLSAFLSQE